The following is an entry in ClinVar:

NM_201253.3(CRB1):c.1146C>G (p.Val382=)

Gene: CRB1 (crumbs cell polarity complex component 1; plus strand). Cytogenetic location: 1q31.3.
Variant type: single nucleotide variant.
Coding change: c.1146C>G on transcript NM_201253.3 (MANE Select); coding-DNA position 1146, C replaced by G.
Protein change: p.Val382=; no amino-acid change (valine 382 retained).
Molecular consequence: synonymous variant. On other transcripts: non-coding transcript variant (2).
Genome position (GRCh38, 1-based): chr1:197,356,988, C>G. VCF-style: chr1-197356988-C-G. GRCh37 (hg19) VCF-style: chr1-197326118-C-G.
Other names: c.810C>G, p.Val270= (NM_001193640.2); c.939C>G, p.Val313= (NM_001257965.2); c.1146C>G, p.Val382= (NM_001257966.2).
Identifiers: ClinVar variation 4987858 (VCV004987858.1).

ClinVar aggregate classification (germline): Likely benign (1 of 4 stars; one submission).

Conditions:
CRB1-related disorder. Also called: CRB1-related disorders; CRB1-related condition.

gnomAD v4.1: 1 of 1,614,192 alleles (0.000062%); highest among the groups gnomAD compares: Non-Finnish European, 0.000085%; no homozygotes.

Submission:

PreventionGenetics, part of Exact Sciences
Classification: Likely benign for CRB1-related condition. Last evaluated: 2026-06-28. Review status: criteria provided, single submitter. Criteria: ACMG Guidelines, 2015. Collection method: clinical testing. Allele origin: germline.
Comment: This variant is classified as likely benign based on ACMG/AMP sequence variant interpretation guidelines (Richards et al. 2015 PMID: 25741868, with internal and published modifications).